The following is an entry in ClinVar:

NM_017654.4(SAMD9):c.3740A>C (p.Lys1247Thr)

Gene: SAMD9 (sterile alpha motif domain containing 9; minus strand). Cytogenetic location: 7q21.2.
Variant type: single nucleotide variant.
Coding change: c.3740A>C on transcript NM_017654.4 (MANE Select); coding-DNA position 3740, A replaced by C.
Protein change: p.Lys1247Thr; replaces lysine 1247 with threonine.
Molecular consequence: missense variant.
Genome position (GRCh38, 1-based): chr7:93,102,358, T>G on the plus strand (A>C on the coding strand, the complement: SAMD9 is on the minus strand). VCF-style: chr7-93102358-T-G. GRCh37 (hg19) VCF-style: chr7-92731671-T-G.
Other names: c.3740A>C, p.Lys1247Thr (NM_001193307.2); short protein forms K1247T.
Identifiers: ClinVar variation 3949661 (VCV003949661.1).
Genomic context (GRCh38, chr7:93,102,358, plus strand): 5'-GACTTTTTCAAAGAAAATTTCAATTTAGTTAAATAAGGAATATAGTTTTTGAGGGCTAAT[T>G]TATATTCATTGTTTGGATCCCCTGGAATATCACTACTTCCTGATACAAAATTGACCATAT-3'
Protein context (NP_060124.2, residues 1237-1257): DIPGDPNNEY[Lys1247Thr]LALKNYIPYL

ClinVar aggregate classification (germline): Uncertain significance (1 of 4 stars; one submission).

Conditions:
Inborn genetic diseases. Identifiers: MedGen C0950123, MeSH D030342.

gnomAD v4.1: 2 of 1,608,728 alleles (0.00012%); highest among the groups gnomAD compares: South Asian, 0.0022%; no homozygotes.

Submission:

Ambry Genetics
Classification: Uncertain significance for Inborn genetic diseases. Last evaluated: 2025-05-23. Review status: criteria provided, single submitter. Criteria: Ambry Variant Classification Scheme 2023. Collection method: clinical testing. Allele origin: germline.
Comment: The p.K1247T variant (also known as c.3740A>C), located in coding exon 1 of the SAMD9 gene, results from an A to C substitution at nucleotide position 3740. The lysine at codon 1247 is replaced by threonine, an amino acid with similar properties. This amino acid position is conserved. In addition, this alteration is predicted to be tolerated by in silico analysis. Based on the available evidence, the clinical significance of this variant remains unclear.